The following is an entry in ClinVar:

NM_138713.4(NFAT5):c.2708A>C (p.Gln903Pro)

Gene: NFAT5 (nuclear factor of activated T cells 5; plus strand). Cytogenetic location: 16q22.1.
Variant type: single nucleotide variant.
Coding change: c.2708A>C on transcript NM_138713.4 (MANE Select); coding-DNA position 2708, A replaced by C.
Protein change: p.Gln903Pro; replaces glutamine 903 with proline.
Molecular consequence: missense variant.
Genome position (GRCh38, 1-based): chr16:69,692,533, A>C. VCF-style: chr16-69692533-A-C. GRCh37 (hg19) VCF-style: chr16-69726436-A-C.
Other names: c.2705A>C, p.Gln902Pro (NM_001113178.3); c.2033A>C, p.Gln678Pro (NM_001367709.1); c.2654A>C, p.Gln885Pro (NM_006599.4); c.2426A>C, p.Gln809Pro (NM_138714.4, NM_173214.3, NM_173215.3); short protein forms Q809P, Q678P, Q902P, Q903P, Q885P.
Identifiers: ClinVar variation 3685935 (VCV003685935.2).

ClinVar aggregate classification (germline): Uncertain significance (1 of 4 stars; one submission).

Conditions:
Immunodeficiency. Identifiers: MedGen C0021051, MONDO:0021094, HP:0002721.

Submission:

Labcorp Genetics (formerly Invitae), Labcorp
Classification: Uncertain significance for Immunodeficiency. Last evaluated: 2025-05-20. Review status: criteria provided, single submitter. Criteria: Invitae Variant Classification Sherloc (09022015). Collection method: clinical testing. Allele origin: germline.
Comment: This sequence change replaces glutamine, which is neutral and polar, with proline, which is neutral and non-polar, at codon 809 of the NFAT5 protein (p.Gln809Pro). This variant is not present in population databases (gnomAD no frequency). This variant has not been reported in the literature in individuals affected with NFAT5-related conditions. ClinVar contains an entry for this variant (Variation ID: 3685935). An algorithm developed to predict the effect of missense changes on protein structure and function (PolyPhen-2) suggests that this variant is likely to be disruptive. In summary, the available evidence is currently insufficient to determine the role of this variant in disease. Therefore, it has been classified as a Variant of Uncertain Significance.